The following is an entry in ClinVar:

ClinVar aggregate classification (germline): Conflicting classifications of pathogenicity. Review status: criteria provided, conflicting classifications (1 of 4 stars). 2 submissions from 2 submitters: Pathogenic (1); Uncertain significance (1). Last evaluated 2025-04-17.

Conditions:
Biotinidase deficiency. Also called: BTD deficiency; Late-onset biotin-responsive multiple carboxylase deficiency; Biotin deficiency. Identifiers: Orphanet 79241, MedGen C0220754, MONDO:0009665, OMIM 253260.

Allele frequency attached by ClinVar (database versions not stated): gnomAD exomes below 0.00001.
gnomAD v4.1: 2 of 1,614,184 alleles (0.00012%); highest among the groups gnomAD compares: Non-Finnish European, 0.00017%; no homozygotes.

Submissions (2):

Women's Health and Genetics/Laboratory Corporation of America, LabCorp
Classification: Uncertain significance. Last evaluated: 2025-04-17. Review status: criteria provided, single submitter. Criteria: LabCorp Variant Classification Summary - May 2015. Collection method: clinical testing. Allele origin: germline.
Comment: Variant summary: BTD c.836C>T (p.Ala279Val) results in a non-conservative amino acid change located in the Carbon-nitrogen hydrolase domain (IPR003010) of the encoded protein sequence. Four of five in-silico tools predict a damaging effect of the variant on protein function. The variant was absent in 251396 control chromosomes. c.836C>T has been observed in compound heterozygous individuals affected with Biotinidase Deficiency (Couce Pico_1999, Luz Couce_2011). These data indicate that the variant may be associated with disease. To our knowledge, no experimental evidence demonstrating an impact on protein function has been reported. The following publications have been ascertained in the context of this evaluation (PMID: 10394193, 21752405, 20556795). ClinVar contains an entry for this variant (Variation ID: 2734454). Based on the evidence outlined above, the variant was classified as VUS-possibly pathogenic.

Labcorp Genetics (formerly Invitae), Labcorp
Classification: Pathogenic for Biotinidase deficiency. Last evaluated: 2022-11-29. Review status: criteria provided, single submitter. Criteria: Invitae Variant Classification Sherloc (09022015). Collection method: clinical testing. Allele origin: germline.
Comment: This sequence change replaces alanine, which is neutral and non-polar, with valine, which is neutral and non-polar, at codon 299 of the BTD protein (p.Ala299Val). This variant is not present in population databases (gnomAD no frequency). This missense change has been observed in individual(s) with biotinidase deficiency (PMID: 10394193, 21752405). In at least one individual the data is consistent with being in trans (on the opposite chromosome) from a pathogenic variant. Advanced modeling of protein sequence and biophysical properties (such as structural, functional, and spatial information, amino acid conservation, physicochemical variation, residue mobility, and thermodynamic stability) performed at Invitae indicates that this missense variant is expected to disrupt BTD protein function. For these reasons, this variant has been classified as Pathogenic.

Literature cited by the submitters: PubMed 11313766 (cited by Women's Health and Genetics/Laboratory Corporation of America, LabCorp); PubMed 20556795 (cited by Women's Health and Genetics/Laboratory Corporation of America, LabCorp); PubMed 10394193 (cited by Women's Health and Genetics/Laboratory Corporation of America, LabCorp and Labcorp Genetics (formerly Invitae), Labcorp); PubMed 21752405 (cited by Women's Health and Genetics/Laboratory Corporation of America, LabCorp and Labcorp Genetics (formerly Invitae), Labcorp).

NM_001370658.1(BTD):c.836C>T (p.Ala279Val)

Gene: BTD (biotinidase; plus strand). Cytogenetic location: 3p25.1.
Variant type: single nucleotide variant.
Coding change: c.836C>T on transcript NM_001370658.1 (MANE Select); coding-DNA position 836, C replaced by T.
Protein change: p.Ala279Val; replaces alanine 279 with valine.
Molecular consequence: missense variant. On other transcripts: intron variant (1).
Genome position (GRCh38, 1-based): chr3:15,644,752, C>T. VCF-style: chr3-15644752-C-T. GRCh37 (hg19) VCF-style: chr3-15686259-C-T.
Other names: c.896C>T, p.Ala299Val (NM_000060.4); c.836C>T, p.Ala279Val (NM_001281723.4, NM_001281724.3, NM_001281725.3 and 18 more transcripts); c.399+2695C>T (NM_001370753.1); short protein forms A279V.
Identifiers: ClinVar variation 2734454 (VCV002734454.5), dbSNP rs397514392, ClinGen allele CA278274.